The following is an entry in ClinVar:

NM_001723.7(DST):c.3646C>T (p.Arg1216Trp)

Gene: DST (dystonin; minus strand). Cytogenetic location: 6p12.1.
Variant type: single nucleotide variant.
Coding change: c.3646C>T on transcript NM_001723.7 (MANE Plus Clinical); coding-DNA position 3646, C replaced by T.
Protein change: p.Arg1216Trp; replaces arginine 1216 with tryptophan.
Molecular consequence: missense variant. On other transcripts: intron variant (10).
Genome position (GRCh38, 1-based): chr6:56,620,388, G>A on the plus strand (C>T on the coding strand, the complement: DST is on the minus strand). VCF-style: chr6-56620388-G-A. GRCh37 (hg19) VCF-style: chr6-56485186-G-A.
Other names: c.4830+4142C>T (NM_001144769.5); c.4929+4142C>T (NM_001374722.1, NM_001374736.1); c.4956+4142C>T (NM_001374734.1); c.4416+4142C>T (NM_001144770.2); c.4296+4142C>T (NM_001374730.1, NM_001386100.1, NM_183380.4 and 1 more transcripts); c.3318+4142C>T (NM_015548.5); short protein forms R1216W.
Identifiers: ClinVar variation 662102 (VCV000662102.10), dbSNP rs142766363, ClinGen allele CA3870675.

ClinVar aggregate classification (germline): Uncertain significance. Review status: criteria provided, multiple submitters, no conflicts (2 of 4 stars). 2 submissions from 2 submitters: Uncertain significance (2). Last evaluated 2025-08-04.

Conditions:
DST-related disorder. Also called: DST-related disorders; DST-related condition.
Hereditary sensory and autonomic neuropathy type 6. Also called: Neuropathy, hereditary sensory and autonomic, type VI; HSAN VI. Identifiers: Orphanet 314381, MedGen C3539003, MONDO:0013839, OMIM 614653.
Epidermolysis bullosa simplex 3, localized or generalized intermediate, with BP230 deficiency (EBS3). Also called: Epidermolysis bullosa simplex, autosomal recessive 2; Epidermolysis bullosa simplex due to BP230 deficiency. Identifiers: Orphanet 412181, MedGen C3809470, MONDO:0014180, OMIM 615425.

Allele frequency attached by ClinVar (database versions not stated): gnomAD 0.00002; TOPMed 0.00002; ExAC 0.00003; gnomAD exomes 0.00004; ESP Exome Variant Server 0.00008.
gnomAD v4.1: 59 of 1,613,910 alleles (0.0037%); highest among the groups gnomAD compares: Non-Finnish European, 0.0042%; no homozygotes.

Submissions (2):

PreventionGenetics, part of Exact Sciences
Classification: Uncertain significance for DST-related condition. Last evaluated: 2025-08-04. Review status: criteria provided, single submitter. Criteria: ACMG Guidelines, 2015. Collection method: clinical testing. Allele origin: germline.
Comment: The DST c.3646C>T variant is predicted to result in the amino acid substitution p.Arg1216Trp. To our knowledge, this variant has not been reported in the literature. This variant is reported in 0.0099% of alleles in individuals of Ashkenazi Jewish descent in gnomAD. At this time, the clinical significance of this variant is uncertain due to the absence of conclusive functional and genetic evidence.

Labcorp Genetics (formerly Invitae), Labcorp
Classification: Uncertain significance for Epidermolysis bullosa simplex 3, localized or generalized intermediate, with BP230 deficiency; Hereditary sensory and autonomic neuropathy type 6. Last evaluated: 2024-12-24. Review status: criteria provided, single submitter. Criteria: Invitae Variant Classification Sherloc (09022015). Collection method: clinical testing. Allele origin: germline.
Comment: This sequence change replaces arginine, which is basic and polar, with tryptophan, which is neutral and slightly polar, at codon 1216 of the DST protein (p.Arg1216Trp). This variant is present in population databases (rs142766363, gnomAD 0.006%). This variant has not been reported in the literature in individuals affected with DST-related conditions. ClinVar contains an entry for this variant (Variation ID: 662102). An algorithm developed to predict the effect of missense changes on protein structure and function (PolyPhen-2) suggests that this variant¬¨‚Ä†is likely to be tolerated. In summary, the available evidence is currently insufficient to determine the role of this variant in disease. Therefore, it has been classified as a Variant of Uncertain Significance.